The following is an entry in ClinVar:

NM_005334.3(HCFC1):c.3501A>C (p.Gln1167His)

Gene: HCFC1 (host cell factor C1; minus strand). Cytogenetic location: Xq28.
Variant type: single nucleotide variant.
Coding change: c.3501A>C on transcript NM_005334.3 (MANE Select); coding-DNA position 3501, A replaced by C.
Protein change: p.Gln1167His; replaces glutamine 1167 with histidine.
Molecular consequence: missense variant.
Genome position (GRCh38, 1-based): chrX:153,954,898, T>G on the plus strand (A>C on the coding strand, the complement: HCFC1 is on the minus strand). VCF-style: chrX-153954898-T-G. GRCh37 (hg19) VCF-style: chrX-153220349-T-G.
Other names: c.3501A>C, p.Gln1167His (NM_001410705.1); short protein forms Q1167H.
Identifiers: ClinVar variation 2428966 (VCV002428966.3), dbSNP rs1557114160, ClinGen allele CA415123527.

ClinVar aggregate classification (germline): Uncertain significance (1 of 4 stars; one submission).

Allele frequency attached by ClinVar (database versions not stated): gnomAD exomes 0.00003.
gnomAD v4.1: 29 of 1,167,385 alleles (0.0025%); highest among the groups gnomAD compares: Non-Finnish European, 0.0033%; no homozygotes.

Submission:

GeneDx
Classification: Uncertain significance. Last evaluated: 2023-02-01. Review status: criteria provided, single submitter. Criteria: GeneDx Variant Classification Process June 2021. Collection method: clinical testing. Allele origin: germline. Affected: yes.
Comment: Not observed at a significant frequency in large population cohorts (gnomAD); In silico analysis supports that this missense variant does not alter protein structure/function; Has not been previously published as pathogenic or benign to our knowledge